The following is an entry in ClinVar:

ClinVar aggregate classification (germline): Conflicting classifications of pathogenicity. Review status: criteria provided, conflicting classifications (1 of 4 stars). 3 submissions from 3 submitters: Likely pathogenic (1); Uncertain significance (2). Last evaluated 2024-04-26.

Conditions:
Oculocutaneous albinism type 3 (OCA3). Also called: ALBINISM III; RUFOUS OCULOCUTANEOUS ALBINISM; XANTHISM; Albinism, oculocutaneous, type III; Rufous OCA; Rufous albinism. Identifiers: Orphanet 79433, MedGen C0342683, MONDO:0008747, OMIM 203290.
MELANESIAN BLOND HAIR (SHEP11). Also called: Skin/hair/eye pigmentation, variation in, 11; SKIN/HAIR/EYE PIGMENTATION 11, BLUE/NONBLUE EYES. Identifiers: MedGen C2677086, OMIM 612271.

Allele frequency attached by ClinVar (database versions not stated): ExAC 0.00001; gnomAD 0.00001; TOPMed 0.00001.

Submissions (3):

Fulgent Genetics
Classification: Likely pathogenic for Oculocutaneous albinism type 3; MELANESIAN BLOND HAIR. Last evaluated: 2024-04-26. Review status: criteria provided, single submitter. Criteria: ACMG Guidelines, 2015. Collection method: clinical testing. Allele origin: germline.

Blueprint Genetics
Classification: Uncertain significance. Last evaluated: 2022-05-25. Review status: criteria provided, single submitter. Criteria: ACMG Guidelines, 2015. Collection method: clinical testing. Allele origin: germline.

Labcorp Genetics (formerly Invitae), Labcorp
Classification: Uncertain significance. Last evaluated: 2022-03-20. Review status: criteria provided, single submitter. Criteria: Invitae Variant Classification Sherloc (09022015). Collection method: clinical testing. Allele origin: germline.
Comment: Experimental studies and prediction algorithms are not available or were not evaluated, and the functional significance of this variant is currently unknown. This variant has not been reported in the literature in individuals affected with TYRP1-related conditions. This variant is present in population databases (rs766545577, gnomAD 0.007%). This sequence change creates a premature translational stop signal (p.Phe473Leufs*3) in the TYRP1 gene. While this is not anticipated to result in nonsense mediated decay, it is expected to disrupt the last 65 amino acid(s) of the TYRP1 protein. This variant disrupts the C-terminus of the TYRP1 protein. Other variant(s) that disrupt this region (p.Tyr499Phefs*3) have been observed in individuals with TYRP1-related conditions (Invitae). This suggests that this may be a clinically significant region of the protein. In summary, the available evidence is currently insufficient to determine the role of this variant in disease. Therefore, it has been classified as a Variant of Uncertain Significance.

NM_000550.3(TYRP1):c.1415_1418dup (p.Phe473fs)

Genes: LURAP1L-AS1 (LURAP1L antisense RNA 1; minus strand), TYRP1 (tyrosinase related protein 1; plus strand). Cytogenetic location: 9p23.
Variant type: Duplication.
Coding change: c.1415_1418dup on transcript NM_000550.3 (MANE Select); coding-DNA positions 1415 to 1418, 4 bases duplicated (AGTT; older notation c.1415_1418dupAGTT).
Protein change: p.Phe473fs; shifts the reading frame from phenylalanine 473.
Molecular consequence: frameshift variant.
Genome position (GRCh38, 1-based): chr9:12,708,983-12,708,986, AGTT duplicated. VCF-style (leftmost placement, unchanged base first): chr9-12708982-G-GAGTT. GRCh37 (hg19) VCF-style: chr9-12708982-G-GAGTT.
Other names: short protein forms F473fs.
Identifiers: ClinVar variation 2114927 (VCV002114927.5), dbSNP rs766545577, ClinGen allele CA4985582.